The following is an entry in ClinVar:

NM_003467.3(CXCR4):c.345C>G (p.Ile115Met)

Gene: CXCR4 (C-X-C motif chemokine receptor 4; minus strand). Cytogenetic location: 2q22.1.
Variant type: single nucleotide variant.
Coding change: c.345C>G on transcript NM_003467.3 (MANE Select); coding-DNA position 345, C replaced by G.
Protein change: p.Ile115Met; replaces isoleucine 115 with methionine.
Molecular consequence: missense variant.
Genome position (GRCh38, 1-based): chr2:136,115,583, G>C on the plus strand (C>G on the coding strand, the complement: CXCR4 is on the minus strand). VCF-style: chr2-136115583-G-C. GRCh37 (hg19) VCF-style: chr2-136873153-G-C.
Other names: c.357C>G, p.Ile119Met (NM_001008540.2); c.558C>G, p.Ile186Met (NM_001348056.2); c.444C>G, p.Ile148Met (NM_001348059.2); c.300C>G, p.Ile100Met (NM_001348060.2); short protein forms I148M, I115M, I100M, I119M, I186M.
Identifiers: ClinVar variation 1450988 (VCV001450988.6), dbSNP rs1051557, ClinGen allele CA348659516.
Genomic context (GRCh38, chr2:136,115,583, plus strand): 5'-GTAGCGGTCCAGACTGATGAAGGCCAGGATGAGGACACTGCTGTAGAGGTTGACTGTGTA[G>C]ATGACATGGACTGCCTTGCATAGGAAGTTCCCAAAGTACCAGTTTGCCACGGCATCAACT-3'
Protein context (NP_003458.1, residues 105-125): GNFLCKAVHV[Ile115Met]YTVNLYSSVL

ClinVar aggregate classification (germline): Uncertain significance (1 of 4 stars; one submission).

Conditions:
Warts, hypogammaglobulinemia, infections, and myelokathexis. Also called: WHIM syndrome. Identifiers: MedGen C0472817, MONDO:0023880.

Allele frequency attached by ClinVar (database versions not stated): TOPMed below 0.00001; gnomAD 0.00001; gnomAD exomes below 0.00001.

Submission:

Labcorp Genetics (formerly Invitae), Labcorp
Classification: Uncertain significance for Warts, hypogammaglobulinemia, infections, and myelokathexis. Last evaluated: 2023-12-22. Review status: criteria provided, single submitter. Criteria: Invitae Variant Classification Sherloc (09022015). Collection method: clinical testing. Allele origin: germline.
Comment: This sequence change replaces isoleucine, which is neutral and non-polar, with methionine, which is neutral and non-polar, at codon 115 of the CXCR4 protein (p.Ile115Met). This variant is not present in population databases (gnomAD no frequency). This variant has not been reported in the literature in individuals affected with CXCR4-related conditions. ClinVar contains an entry for this variant (Variation ID: 1450988). An algorithm developed to predict the effect of missense changes on protein structure and function (PolyPhen-2) suggests that this variant is likely to be disruptive. In summary, the available evidence is currently insufficient to determine the role of this variant in disease. Therefore, it has been classified as a Variant of Uncertain Significance.